The following is an entry in ClinVar:

ClinVar aggregate classification (germline): Likely pathogenic. Review status: criteria provided, multiple submitters, no conflicts (2 of 4 stars). 2 submissions from 2 submitters: Likely pathogenic (2). Last evaluated 2023-10-24.

Conditions:
Fanconi anemia complementation group D2. Also called: FANCD2-Related Fanconi Anemia; FANCONI PANCYTOPENIA, TYPE 4; FANCONI ANEMIA, COMPLEMENTATION GROUP D. Identifiers: Orphanet 84, MedGen C3160738, MONDO:0009214, OMIM 227646.

Submissions (2):

Baylor Genetics
Classification: Likely pathogenic for Fanconi anemia complementation group D2. Last evaluated: 2023-10-24. Review status: criteria provided, single submitter. Criteria: ACMG Guidelines, 2015. Collection method: clinical testing. Allele origin: unknown.

3billion
Classification: Likely pathogenic for Fanconi anemia complementation group D2. Last evaluated: 2022-09-01. Review status: criteria provided, single submitter. Criteria: ACMG Guidelines, 2015. Collection method: clinical testing. Allele origin: germline. Affected: yes. Observed: 1 heterozygote.
Comment: The variant is not observed in the gnomAD v2.1.1 dataset. Stop-gained (nonsense) is predicted to result in a loss or disruption of normal protein function through nonsense-mediated decay (NMD) or protein truncation. Multiple pathogenic variants are reported downstream of the variant. Therefore, this variant is classified as Likely pathogenic according to the recommendation of ACMG/AMP guideline.

NM_001018115.3(FANCD2):c.3337C>T (p.Gln1113Ter)

Genes: FANCD2OS (FANCD2 opposite strand; minus strand), FANCD2 (FA complementation group D2; plus strand). Cytogenetic location: 3p25.3.
Variant type: single nucleotide variant.
Coding change: c.3337C>T on transcript NM_001018115.3 (MANE Select); coding-DNA position 3337, C replaced by T.
Protein change: p.Gln1113Ter; replaces glutamine 1113 with a stop codon.
Molecular consequence: nonsense. On other transcripts: intron variant (1).
Genome position (GRCh38, 1-based): chr3:10,087,135, C>T. VCF-style: chr3-10087135-C-T. GRCh37 (hg19) VCF-style: chr3-10128819-C-T.
Other names: c.3337C>T, p.Gln1113Ter (NM_033084.6, NM_001319984.2, NM_001374254.1); c.*44-5604G>A (NM_173472.2); c.3226C>T, p.Gln1076Ter (NM_001374253.1); short protein forms Q1076*, Q1113*.
Identifiers: ClinVar variation 1705663 (VCV001705663.2), dbSNP rs2470039418, ClinGen allele CA351751892.